The following is an entry in ClinVar:

NM_002439.5(MSH3):c.251A>T (p.Asp84Val)

Gene: MSH3 (mutS homolog 3; plus strand). Cytogenetic location: 5q14.1.
Variant type: single nucleotide variant.
Coding change: c.251A>T on transcript NM_002439.5 (MANE Select); coding-DNA position 251, A replaced by T.
Protein change: p.Asp84Val; replaces aspartic acid 84 with valine.
Molecular consequence: missense variant.
Genome position (GRCh38, 1-based): chr5:80,656,424, A>T. VCF-style: chr5-80656424-A-T. GRCh37 (hg19) VCF-style: chr5-79952243-A-T.
Other names: short protein forms D84V.
Identifiers: ClinVar variation 1507615 (VCV001507615.8), dbSNP rs2112801552, ClinGen allele CA360266136.

ClinVar aggregate classification (germline): Uncertain significance (1 of 4 stars; one submission).

Submission:

Labcorp Genetics (formerly Invitae), Labcorp
Classification: Uncertain significance. Last evaluated: 2022-09-01. Review status: criteria provided, single submitter. Criteria: Invitae Variant Classification Sherloc (09022015). Collection method: clinical testing. Allele origin: germline.
Comment: This variant has not been reported in the literature in individuals affected with MSH3-related conditions. ClinVar contains an entry for this variant (Variation ID: 1507615). Algorithms developed to predict the effect of missense changes on protein structure and function are either unavailable or do not agree on the potential impact of this missense change (SIFT: "Deleterious"; PolyPhen-2: "Benign"; Align-GVGD: "Class C0"). In summary, the available evidence is currently insufficient to determine the role of this variant in disease. Therefore, it has been classified as a Variant of Uncertain Significance. This variant is not present in population databases (gnomAD no frequency). This sequence change replaces aspartic acid, which is acidic and polar, with valine, which is neutral and non-polar, at codon 84 of the MSH3 protein (p.Asp84Val).